The following is an entry in ClinVar:

NM_006231.4(POLE):c.5166C>G (p.Tyr1722Ter)

Gene: POLE (DNA polymerase epsilon, catalytic subunit; minus strand). Cytogenetic location: 12q24.33.
Variant type: single nucleotide variant.
Coding change: c.5166C>G on transcript NM_006231.4 (MANE Select); coding-DNA position 5166, C replaced by G.
Protein change: p.Tyr1722Ter; replaces tyrosine 1722 with a stop codon.
Molecular consequence: nonsense.
Genome position (GRCh38, 1-based): chr12:132,642,184, G>C on the plus strand (C>G on the coding strand, the complement: POLE is on the minus strand). VCF-style: chr12-132642184-G-C. GRCh37 (hg19) VCF-style: chr12-133218770-G-C.
Other names: c.5166C>G (NM_006231.2); short protein forms Y1722*.
Identifiers: ClinVar variation 839404 (VCV000839404.11), dbSNP rs775140280, ClinGen allele CA387376630.
Genomic context (GRCh38, chr12:132,642,184, plus strand): 5'-AATGGCAGAAACACCAGCCAGGTCTCATGGGCCTCGTCCTCCCGCCCACTTACCTGTGGA[G>C]TAACAGCCTGAACTGTTGATCTCAACAGTGGCTTGGTCATCGAACTCCATGACAAGACAG-3'

ClinVar aggregate classification (germline): Conflicting classifications of pathogenicity. Review status: criteria provided, conflicting classifications (1 of 4 stars). 3 submissions from 3 submitters: Pathogenic (1); Likely pathogenic (1); Uncertain significance (1). Last evaluated 2026-02-18.

Conditions:
POLE-related disorder. Also called: POLE-related condition; POLE-related disorders.
Hereditary cancer-predisposing syndrome. Also called: Neoplastic Syndromes, Hereditary; Hereditary Cancer Syndrome; Tumor predisposition; Hereditary neoplastic syndrome. Identifiers: Orphanet 140162, MedGen C0027672, MeSH D009386, MONDO:0015356.

Submissions (3):

Ambry Genetics
Classification: Uncertain significance for Hereditary cancer-predisposing syndrome. Last evaluated: 2026-02-18. Review status: criteria provided, single submitter. Criteria: Ambry Variant Classification Scheme 2023. Collection method: clinical testing. Allele origin: germline.
Comment: The p.Y1722* variant (also known as c.5166C>G), located in coding exon 38 of the POLE gene, results from a C to G substitution at nucleotide position 5166. This changes the amino acid from a tyrosine to a stop codon within coding exon 38. This alteration is expected to result in loss of function by premature protein truncation or nonsense-mediated mRNA decay. Although biallelic loss of function of POLE has been associated with autosomal recessive POLE deficiency, haploinsufficiency of POLE has not been established as a mechanism of disease for POLE-related polymerase proofreading-associated polyposis (PPAP) and POLE-related CMMRD-like syndrome. Based on the supporting evidence, this variant is expected to be causative of POLE deficiency when present along with a second pathogenic variant on the other allele; however, its clinical significance for PPAP and POLE-related CMMRD-like syndrome is unclear.

Labcorp Genetics (formerly Invitae), Labcorp
Classification: Pathogenic. Last evaluated: 2025-12-14. Review status: criteria provided, single submitter. Criteria: Invitae Variant Classification Sherloc (09022015). Collection method: clinical testing. Allele origin: germline.
Comment: This sequence change creates a premature translational stop signal (p.Tyr1722*) in the POLE gene. It is expected to result in an absent or disrupted protein product. Loss-of-function variants in POLE are known to be pathogenic (PMID: 23230001, 25948378, 30503519). This variant is not present in population databases (gnomAD no frequency). This variant has not been reported in the literature in individuals affected with POLE-related conditions. ClinVar contains an entry for this variant (Variation ID: 839404). For these reasons, this variant has been classified as Pathogenic.

PreventionGenetics, part of Exact Sciences
Classification: Likely pathogenic for POLE-related condition. Last evaluated: 2025-11-13. Review status: criteria provided, single submitter. Criteria: ACMG Guidelines, 2015. Collection method: clinical testing. Allele origin: germline.
Comment: The POLE c.5166C>G variant is predicted to result in premature protein termination (p.Tyr1722*). To our knowledge, this variant has not been reported in the literature or in a large population database (gnomAD), indicating this variant is rare. This variant is interpreted as pathogenic in ClinVar (Variation ID: 839404). Pathogenic variants in POLE leading to loss of POLE protein function have been reported in individuals with autosomal recessive intrauterine growth retardation, metaphyseal dysplasia, adrenal hypoplasia congenita, genital anomalies, and immunodeficiency (IMAGe-I) syndrome (Pachlopnik Schmid et al. 2012. PubMed ID: 23230001; Thiffault et al. 2015. PubMed ID: 25948378; Long et al. 2018. PubMed ID: 30503519; Nakano et al. 2022. PubMed ID: 35534205). This variant is interpreted as likely pathogenic for autosomal recessive IMAGe-I syndrome and as a variant of uncertain significance for autosomal dominant POLE-associated disorders.

Literature cited by the submitters: PubMed 23230001 (cited by Labcorp Genetics (formerly Invitae), Labcorp); PubMed 25948378 (cited by Labcorp Genetics (formerly Invitae), Labcorp); PubMed 30503519 (cited by Labcorp Genetics (formerly Invitae), Labcorp).